The following is an entry in ClinVar:

ClinVar aggregate classification (germline): Uncertain significance (1 of 4 stars; one submission).

Conditions:
Hypertrophic cardiomyopathy 26. Also called: Cardiomyopathy, familial hypertrophic, 26. Identifiers: Orphanet 75249, MedGen C4310749, MONDO:0014883, OMIM 617047.
Myofibrillar myopathy 5. Also called: FILAMINOPATHY, AUTOSOMAL DOMINANT; Filaminopathy (type). Identifiers: Orphanet 171445, MedGen C1836050, MONDO:0012289, OMIM 609524.
Distal myopathy with posterior leg and anterior hand involvement. Also called: WILLIAMS DISTAL MYOPATHY. Identifiers: Orphanet 63273, MedGen C3279722, MONDO:0013550, OMIM 614065.

Submission:

Labcorp Genetics (formerly Invitae), Labcorp
Classification: Uncertain significance for Distal myopathy with posterior leg and anterior hand involvement; Myofibrillar myopathy 5; Hypertrophic cardiomyopathy 26. Last evaluated: 2020-12-09. Review status: criteria provided, single submitter. Criteria: Invitae Variant Classification Sherloc (09022015). Collection method: clinical testing. Allele origin: germline.
Comment: In summary, the available evidence is currently insufficient to determine the role of this variant in disease. Therefore, it has been classified as a Variant of Uncertain Significance. Algorithms developed to predict the effect of missense changes on protein structure and function (SIFT, PolyPhen-2, Align-GVGD) all suggest that this variant is likely to be tolerated, but these predictions have not been confirmed by published functional studies and their clinical significance is uncertain. This variant has not been reported in the literature in individuals with FLNC-related conditions. This sequence change replaces threonine with alanine at codon 1905 of the FLNC protein (p.Thr1905Ala). The threonine residue is moderately conserved and there is a small physicochemical difference between threonine and alanine. This variant is not present in population databases (ExAC no frequency).

NM_001458.5(FLNC):c.5713A>G (p.Thr1905Ala)

Genes: FLNC (filamin C; plus strand), FLNC-AS1 (FLNC antisense RNA 1; minus strand). Cytogenetic location: 7q32.1.
Variant type: single nucleotide variant.
Coding change: c.5713A>G on transcript NM_001458.5 (MANE Select); coding-DNA position 5713, A replaced by G.
Protein change: p.Thr1905Ala; replaces threonine 1905 with alanine.
Molecular consequence: missense variant. On other transcripts: non-coding transcript variant (1).
Genome position (GRCh38, 1-based): chr7:128,851,499, A>G. VCF-style: chr7-128851499-A-G. GRCh37 (hg19) VCF-style: chr7-128491553-A-G.
Other names: c.5614A>G, p.Thr1872Ala (NM_001127487.2); short protein forms T1872A, T1905A.
Identifiers: ClinVar variation 1017950 (VCV001017950.9), dbSNP rs1808810815, ClinGen allele CA369208114.